The following is an entry in ClinVar:

NM_004646.4(NPHS1):c.1123T>C (p.Trp375Arg)

Gene: NPHS1 (NPHS1 adhesion molecule, nephrin; minus strand). Cytogenetic location: 19q13.12.
Variant type: single nucleotide variant.
Coding change: c.1123T>C on transcript NM_004646.4 (MANE Select); coding-DNA position 1123, T replaced by C.
Protein change: p.Trp375Arg; replaces tryptophan 375 with arginine.
Molecular consequence: missense variant.
Genome position (GRCh38, 1-based): chr19:35,848,684, A>G on the plus strand (T>C on the coding strand, the complement: NPHS1 is on the minus strand). VCF-style: chr19-35848684-A-G. GRCh37 (hg19) VCF-style: chr19-36339586-A-G.
Other names: short protein forms W375R.
Identifiers: ClinVar variation 4994940 (VCV004994940.1).

ClinVar aggregate classification (germline): Uncertain significance (1 of 4 stars; one submission).

Conditions:
NPHS1-related disorder. Also called: NPHS1-related condition.

Submission:

PreventionGenetics, part of Exact Sciences
Classification: Uncertain significance for NPHS1-related condition. Last evaluated: 2026-09-08. Review status: criteria provided, single submitter. Criteria: ACMG Guidelines, 2015. Collection method: clinical testing. Allele origin: germline.
Comment: The NPHS1 c.1123T>C variant is predicted to result in the amino acid substitution p.Trp375Arg. To our knowledge, this variant has not been reported in the literature or in a large population database (gnomAD), indicating this variant is rare. At this time, the clinical significance of this variant is uncertain due to the absence of conclusive functional and genetic evidence.